The following is an entry in ClinVar:

ClinVar aggregate classification (germline): Uncertain significance (1 of 4 stars; one submission).

Conditions:
Cardiovascular phenotype. Identifiers: MedGen CN230736.

Submission:

Ambry Genetics
Classification: Uncertain significance for Cardiovascular phenotype. Last evaluated: 2026-03-07. Review status: criteria provided, single submitter. Criteria: Ambry Variant Classification Scheme 2023. Collection method: clinical testing. Allele origin: germline.
Comment: The p.R1181G variant (also known as c.3541A>G), located in coding exon 26 of the JAG1 gene, results from an A to G substitution at nucleotide position 3541. The arginine at codon 1181 is replaced by glycine, an amino acid with dissimilar properties. This amino acid position is conserved. In addition, this alteration is predicted to be deleterious by in silico analysis. Based on the available evidence, the clinical significance of this variant remains unclear.

NM_000214.3(JAG1):c.3541A>G (p.Arg1181Gly)

Gene: JAG1 (jagged canonical Notch ligand 1; minus strand). Cytogenetic location: 20p12.2.
Variant type: single nucleotide variant.
Coding change: c.3541A>G on transcript NM_000214.3 (MANE Select); coding-DNA position 3541, A replaced by G.
Protein change: p.Arg1181Gly; replaces arginine 1181 with glycine.
Molecular consequence: missense variant.
Genome position (GRCh38, 1-based): chr20:10,639,614, T>C on the plus strand (A>G on the coding strand, the complement: JAG1 is on the minus strand). VCF-style: chr20-10639614-T-C. GRCh37 (hg19) VCF-style: chr20-10620262-T-C.
Other names: short protein forms R1181G.
Identifiers: ClinVar variation 4827224 (VCV004827224.1).